The following is an entry in ClinVar:

ClinVar aggregate classification (germline): Uncertain significance (1 of 4 stars; one submission).

Allele frequency attached by ClinVar (database versions not stated): ExAC 0.00005; gnomAD exomes 0.00007; ESP Exome Variant Server 0.00013; gnomAD 0.00018 and 0.00020; TOPMed 0.00019.

Submission:

Labcorp Genetics (formerly Invitae), Labcorp
Classification: Uncertain significance. Last evaluated: 2022-06-13. Review status: criteria provided, single submitter. Criteria: Invitae Variant Classification Sherloc (09022015). Collection method: clinical testing. Allele origin: germline.
Comment: This sequence change replaces valine, which is neutral and non-polar, with methionine, which is neutral and non-polar, at codon 233 of the SLC39A7 protein (p.Val233Met). This variant is present in population databases (rs201987088, gnomAD 0.06%). This variant has not been reported in the literature in individuals affected with SLC39A7-related conditions. Algorithms developed to predict the effect of missense changes on protein structure and function are either unavailable or do not agree on the potential impact of this missense change (SIFT: "Deleterious"; PolyPhen-2: "Probably Damaging"; Align-GVGD: "Class C0"). In summary, the available evidence is currently insufficient to determine the role of this variant in disease. Therefore, it has been classified as a Variant of Uncertain Significance.

NM_006979.3(SLC39A7):c.697G>A (p.Val233Met)

Gene: SLC39A7 (solute carrier family 39 member 7; plus strand). Cytogenetic location: 6p21.32.
Variant type: single nucleotide variant.
Coding change: c.697G>A on transcript NM_006979.3 (MANE Select); coding-DNA position 697, G replaced by A.
Protein change: p.Val233Met; replaces valine 233 with methionine.
Molecular consequence: missense variant.
Genome position (GRCh38, 1-based): chr6:33,202,325, G>A. VCF-style: chr6-33202325-G-A. GRCh37 (hg19) VCF-style: chr6-33170102-G-A.
Other names: c.697G>A, p.Val233Met (NM_001077516.2); c.322G>A, p.Val108Met (NM_001288777.2); short protein forms V108M, V233M.
Identifiers: ClinVar variation 1373211 (VCV001373211.3), dbSNP rs201987088, ClinGen allele CA3752338.